The following is an entry in ClinVar:

ClinVar aggregate classification (germline): Uncertain significance (1 of 4 stars; one submission).

Conditions:
Bethlem myopathy 1A. Also called: MYOPATHY, BENIGN CONGENITAL, WITH CONTRACTURES; Bethlem myopathy 1; Bethlem Muscular Dystrophy. Identifiers: Orphanet 610, MedGen CN029274, MONDO:0024530, OMIM 158810.

gnomAD v4.1: 6 of 1,614,088 alleles (0.00037%); highest among the groups gnomAD compares: East Asian, 0.0022%; no homozygotes.

Submission:

Labcorp Genetics (formerly Invitae), Labcorp
Classification: Uncertain significance for Bethlem myopathy 1A. Last evaluated: 2025-04-08. Review status: criteria provided, single submitter. Criteria: Invitae Variant Classification Sherloc (09022015). Collection method: clinical testing. Allele origin: germline.
Comment: This sequence change replaces lysine, which is basic and polar, with arginine, which is basic and polar, at codon 1305 of the COL6A3 protein (p.Lys1305Arg). This variant is present in population databases (rs750288655, gnomAD 0.003%). This variant has not been reported in the literature in individuals affected with COL6A3-related conditions. Invitae Evidence Modeling of protein sequence and biophysical properties (such as structural, functional, and spatial information, amino acid conservation, physicochemical variation, residue mobility, and thermodynamic stability) indicates that this missense variant is not expected to disrupt COL6A3 protein function with a negative predictive value of 80%. In summary, the available evidence is currently insufficient to determine the role of this variant in disease. Therefore, it has been classified as a Variant of Uncertain Significance.

NM_004369.4(COL6A3):c.3914A>G (p.Lys1305Arg)

Gene: COL6A3 (collagen type VI alpha 3 chain; minus strand). Cytogenetic location: 2q37.3.
Variant type: single nucleotide variant.
Coding change: c.3914A>G on transcript NM_004369.4 (MANE Select); coding-DNA position 3914, A replaced by G.
Protein change: p.Lys1305Arg; replaces lysine 1305 with arginine.
Molecular consequence: missense variant.
Genome position (GRCh38, 1-based): chr2:237,372,103, T>C on the plus strand (A>G on the coding strand, the complement: COL6A3 is on the minus strand). VCF-style: chr2-237372103-T-C. GRCh37 (hg19) VCF-style: chr2-238280746-T-C.
Other names: c.2693A>G, p.Lys898Arg (NM_057164.5); c.3296A>G, p.Lys1099Arg (NM_057165.5, NM_057167.4); c.2093A>G, p.Lys698Arg (NM_057166.5); short protein forms K1099R, K1305R, K698R, K898R.
Identifiers: ClinVar variation 4805056 (VCV004805056.1).